The following is an entry in ClinVar:

NM_005334.3(HCFC1):c.1238C>T (p.Thr413Ile)

Gene: HCFC1 (host cell factor C1; minus strand). Cytogenetic location: Xq28.
Variant type: single nucleotide variant.
Coding change: c.1238C>T on transcript NM_005334.3 (MANE Select); coding-DNA position 1238, C replaced by T.
Protein change: p.Thr413Ile; replaces threonine 413 with isoleucine.
Molecular consequence: missense variant.
Genome position (GRCh38, 1-based): chrX:153,960,008, G>A on the plus strand (C>T on the coding strand, the complement: HCFC1 is on the minus strand). VCF-style: chrX-153960008-G-A. GRCh37 (hg19) VCF-style: chrX-153225459-G-A.
Other names: c.1238C>T, p.Thr413Ile (NM_001410705.1); short protein forms T413I.
Identifiers: ClinVar variation 3391466 (VCV003391466.1).

ClinVar aggregate classification (germline): Uncertain significance (1 of 4 stars; one submission).

Submission:

GeneDx
Classification: Uncertain significance. Last evaluated: 2024-06-23. Review status: criteria provided, single submitter. Criteria: GeneDx Variant Classification Process June 2021. Collection method: clinical testing. Allele origin: germline. Affected: yes.
Comment: Not observed at significant frequency in large population cohorts (gnomAD); In silico analysis indicates that this missense variant does not alter protein structure/function; Has not been previously published as pathogenic or benign to our knowledge